The following is an entry in ClinVar:

NM_201384.3(PLEC):c.2304+261A>G

Gene: PLEC (plectin; minus strand). Cytogenetic location: 8q24.3.
Variant type: single nucleotide variant.
Coding change: c.2304+261A>G on transcript NM_201384.3 (MANE Select); 261 bases into the intron after coding-DNA position 2304, A replaced by G.
Molecular consequence: intron variant.
Genome position (GRCh38, 1-based): chr8:143,931,273, T>C on the plus strand (A>G on the coding strand, the complement: PLEC is on the minus strand). VCF-style: chr8-143931273-T-C. GRCh37 (hg19) VCF-style: chr8-145005441-T-C.
Other names: NC_000008.10:g.145005441T>C; c.2385+261A>G (NM_000445.5); c.2262+261A>G (NM_201378.4); c.2238+261A>G (NM_201379.3); c.2715+261A>G (NM_201380.4); c.2208+261A>G (NM_201381.3); c.2304+261A>G (NM_201382.4); c.2316+261A>G (NM_201383.3).
Identifiers: ClinVar variation 683691 (VCV000683691.2), dbSNP rs73715561, ClinGen allele CA12909488.

ClinVar aggregate classification (germline): Benign (1 of 4 stars; one submission).

Allele frequency attached by ClinVar (database versions not stated): gnomAD 0.06249 and 0.06691; TOPMed 0.06802; 1000 Genomes Project 0.07668; 1000 Genomes Project 30x 0.08073.

Submissions (5):

GeneDx
Classification: Benign. Last evaluated: 2018-06-16. Review status: criteria provided, single submitter. Criteria: GeneDx Variant Classification (06012015). Collection method: clinical testing. Allele origin: germline. Affected: yes.
Comment: This variant is considered likely benign or benign based on one or more of the following criteria: it is a conservative change, it occurs at a poorly conserved position in the protein, it is predicted to be benign by multiple in silico algorithms, and/or has population frequency not consistent with disease.

Dr. Peter K. Rogan Lab, Western University
No classification provided (evidence only). Condition: Cervical cancer. Review status: no classification provided. Collection method: in vitro. Allele origin: not applicable. Functional consequence: retained intron. Not counted in ClinVar's aggregate classification.

Dr. Peter K. Rogan Lab, Western University
No classification provided (evidence only). Condition: Sarcoma. Review status: no classification provided. Collection method: in vitro. Allele origin: not applicable. Functional consequence: retained intron. Not counted in ClinVar's aggregate classification.

Dr. Peter K. Rogan Lab, Western University
No classification provided (evidence only). Condition: Ovarian serous cystadenocarcinoma. Review status: no classification provided. Collection method: in vitro. Allele origin: not applicable. Functional consequence: retained intron. Not counted in ClinVar's aggregate classification.

Dr. Peter K. Rogan Lab, Western University
No classification provided (evidence only). Condition: Uterine carcinosarcoma. Review status: no classification provided. Collection method: in vitro. Allele origin: not applicable. Functional consequence: retained intron. Not counted in ClinVar's aggregate classification.